The following is an entry in ClinVar:

NM_000744.7(CHRNA4):c.403_409del (p.Val135fs)

Gene: CHRNA4 (cholinergic receptor nicotinic alpha 4 subunit; minus strand). Cytogenetic location: 20q13.33.
Variant type: Deletion.
Coding change: c.403_409del on transcript NM_000744.7 (MANE Select); coding-DNA positions 403 to 409, 7 bases deleted (GTCACCC; older notation c.403_409delGTCACCC).
Protein change: p.Val135fs; shifts the reading frame from valine 135.
Molecular consequence: frameshift variant. On other transcripts: 5 prime UTR variant (1), non-coding transcript variant (1).
Genome position (GRCh38, 1-based): chr20:63,351,002-63,351,008, GGGTGAC deleted on the plus strand (GTCACCC on the coding strand, the reverse complement: CHRNA4 is on the minus strand). VCF-style (leftmost placement, unchanged base first): chr20-63351001-TGGGTGAC-T. GRCh37 (hg19) VCF-style: chr20-61982353-TGGGTGAC-T.
Other names: c.-126_-120del (NM_001256573.2); short protein forms V135fs.
Identifiers: ClinVar variation 2709826 (VCV002709826.3), dbSNP rs2516543585, ClinGen allele CA2697547452.
Genomic context (GRCh38, chr20:63,351,001, plus strand): 5'-TAAATGGCCGGGGGAGTCCACTGCACCCGCCCGTCATGGAACAGGTGGGCCTTGGTCAGG[TGGGTGAC>T]CGCGAAGTCCCCGTCAGCACTGGGCAGGAAGAGAGCGAAGGGTGTGAGACCCCCACATCC-3'

ClinVar aggregate classification (germline): Uncertain significance (1 of 4 stars; one submission).

Conditions:
Familial sleep-related hypermotor epilepsy. Also called: Autosomal Dominant Sleep-Related Hypermotor (Hyperkinetic) Epilepsy. Identifiers: Orphanet 98784, MedGen C3696898, MONDO:0000030.

Submission:

Labcorp Genetics (formerly Invitae), Labcorp
Classification: Uncertain significance. Last evaluated: 2024-01-17. Review status: criteria provided, single submitter. Criteria: Invitae Variant Classification Sherloc (09022015). Collection method: clinical testing. Allele origin: germline.
Comment: This sequence change creates a premature translational stop signal (p.Val135Thrfs*2) in the CHRNA4 gene. It is expected to result in an absent or disrupted protein product. However, the current clinical and genetic evidence is not sufficient to establish whether loss-of-function variants in CHRNA4 cause disease. This variant is not present in population databases (gnomAD no frequency). This variant has not been reported in the literature in individuals affected with CHRNA4-related conditions. In summary, the available evidence is currently insufficient to determine the role of this variant in disease. Therefore, it has been classified as a Variant of Uncertain Significance.